The following is an entry in ClinVar:

NC_000019.9:g.(?_35521725)_(36643309_?)del

Genes: ALKBH6 (alkB homolog 6, nucleotide demethylase; minus strand), APLP1 (amyloid beta precursor like protein 1; plus strand), ARHGAP33 (Rho GTPase activating protein 33; plus strand), ATP4A (ATPase H+/K+ transporting subunit alpha; minus strand), CAPNS1 (calpain small subunit 1; plus strand) and 51 more. Cytogenetic location: 19q13.12.
Variant type: Deletion.
Identifiers: ClinVar variation 1412985 (VCV001412985.5).

ClinVar aggregate classification (germline): no classifications from unflagged records (0 of 4 stars; one submission).

Conditions:
Brugada syndrome 5 (BRGDA5). Identifiers: Orphanet 130, Orphanet 871, MedGen C2748541, MONDO:0013015, OMIM 612838.

Submission:

Labcorp Genetics (formerly Invitae), Labcorp
Classification: Uncertain significance for Brugada syndrome 5. Last evaluated: 2021-08-12. Review status: flagged submission. Criteria: Invitae Variant Classification Sherloc (09022015). Collection method: clinical testing. Allele origin: germline.
Comment: A gross deletion of the genomic region encompassing the full coding sequence of the SCN1B gene has been identified. The current clinical and genetic evidence is not sufficient to establish whether loss-of-function variants in SCN1B cause disease. The boundaries of this event are unknown as they extend beyond the assayed region for this gene and therefore may encompass additional genes. This variant has not been reported in the literature in individuals affected with SCN1B-related conditions. In summary, the available evidence is currently insufficient to determine the role of this variant in disease. Therefore, it has been classified as a Variant of Uncertain Significance.
ClinVar note: Notes: This submission was flagged because its interpretation of this variant conflicts with the ClinGen Gene Dosage Map curation for the gene KMT2B.
ClinVar note: Reason: Conflict with ClinGen Gene Dosage Map